The following is an entry in ClinVar:

NM_005732.4(RAD50):c.676C>G (p.Gln226Glu)

Gene: RAD50 (RAD50 double strand break repair protein; plus strand). Cytogenetic location: 5q31.1.
Variant type: single nucleotide variant.
Coding change: c.676C>G on transcript NM_005732.4 (MANE Select); coding-DNA position 676, C replaced by G.
Protein change: p.Gln226Glu; replaces glutamine 226 with glutamic acid.
Molecular consequence: missense variant.
Genome position (GRCh38, 1-based): chr5:132,579,986, C>G. VCF-style: chr5-132579986-C-G. GRCh37 (hg19) VCF-style: chr5-131915678-C-G.
Other names: c.676C>G (NM_005732.3); short protein forms Q226E.
Identifiers: ClinVar variation 2418551 (VCV002418551.7), dbSNP rs377429225, ClinGen allele CA360936398.

ClinVar aggregate classification (germline): Uncertain significance. Review status: criteria provided, multiple submitters, no conflicts (2 of 4 stars). 2 submissions from 2 submitters: Uncertain significance (2). Last evaluated 2026-01-15.

Conditions:
Hereditary cancer-predisposing syndrome. Also called: Neoplastic Syndromes, Hereditary; Tumor predisposition; Hereditary Cancer Syndrome; Hereditary neoplastic syndrome. Identifiers: Orphanet 140162, MedGen C0027672, MeSH D009386, MONDO:0015356.

Submissions (2):

Ambry Genetics
Classification: Uncertain significance for Hereditary cancer-predisposing syndrome. Last evaluated: 2026-01-15. Review status: criteria provided, single submitter. Criteria: Ambry Variant Classification Scheme 2023. Collection method: clinical testing. Allele origin: germline.
Comment: The p.Q226E variant (also known as c.676C>G), located in coding exon 5 of the RAD50 gene, results from a C to G substitution at nucleotide position 676. The glutamine at codon 226 is replaced by glutamic acid, an amino acid with highly similar properties. This amino acid position is conserved. In addition, this alteration is predicted to be tolerated by in silico analysis. Based on the available evidence, the clinical significance of this variant remains unclear.

Labcorp Genetics (formerly Invitae), Labcorp
Classification: Uncertain significance for Hereditary cancer-predisposing syndrome. Last evaluated: 2024-04-16. Review status: criteria provided, single submitter. Criteria: Invitae Variant Classification Sherloc (09022015). Collection method: clinical testing. Allele origin: germline.
Comment: This sequence change replaces glutamine, which is neutral and polar, with glutamic acid, which is acidic and polar, at codon 226 of the RAD50 protein (p.Gln226Glu). This variant is not present in population databases (gnomAD no frequency). This variant has not been reported in the literature in individuals affected with RAD50-related conditions. ClinVar contains an entry for this variant (Variation ID: 2418551). Advanced modeling of protein sequence and biophysical properties (such as structural, functional, and spatial information, amino acid conservation, physicochemical variation, residue mobility, and thermodynamic stability) performed at Invitae indicates that this missense variant is not expected to disrupt RAD50 protein function with a negative predictive value of 80%. In summary, the available evidence is currently insufficient to determine the role of this variant in disease. Therefore, it has been classified as a Variant of Uncertain Significance.